The following is an entry in ClinVar:

ClinVar aggregate classification (germline): Uncertain significance (1 of 4 stars; one submission).

Allele frequency attached by ClinVar (database versions not stated): gnomAD exomes below 0.00001 and 0.00001; TOPMed below 0.00001; ExAC 0.00001; gnomAD 0.00001.
gnomAD v4.1: 6 of 1,609,944 alleles (0.00037%); highest among the groups gnomAD compares: East Asian, 0.013%; no homozygotes.

Submission:

Labcorp Genetics (formerly Invitae), Labcorp
Classification: Uncertain significance. Last evaluated: 2021-07-30. Review status: criteria provided, single submitter. Criteria: Invitae Variant Classification Sherloc (09022015). Collection method: clinical testing. Allele origin: germline.
Comment: In summary, the available evidence is currently insufficient to determine the role of this variant in disease. Therefore, it has been classified as a Variant of Uncertain Significance. Algorithms developed to predict the effect of sequence changes on RNA splicing suggest that this variant may disrupt the consensus splice site. Algorithms developed to predict the effect of missense changes on protein structure and function (SIFT, PolyPhen-2, Align-GVGD) all suggest that this variant is likely to be tolerated. This variant has not been reported in the literature in individuals affected with ITM2B-related conditions. This variant is present in population databases (rs752215006, ExAC 0.01%). This sequence change replaces lysine with arginine at codon 151 of the ITM2B protein (p.Lys151Arg). The lysine residue is moderately conserved and there is a small physicochemical difference between lysine and arginine.

NM_021999.5(ITM2B):c.452A>G (p.Lys151Arg)

Gene: ITM2B (integral membrane protein 2B; plus strand). Cytogenetic location: 13q14.2.
Variant type: single nucleotide variant.
Coding change: c.452A>G on transcript NM_021999.5 (MANE Select); coding-DNA position 452, A replaced by G.
Protein change: p.Lys151Arg; replaces lysine 151 with arginine.
Molecular consequence: missense variant.
Genome position (GRCh38, 1-based): chr13:48,256,382, A>G. VCF-style: chr13-48256382-A-G. GRCh37 (hg19) VCF-style: chr13-48830518-A-G.
Other names: short protein forms K151R.
Identifiers: ClinVar variation 1358789 (VCV001358789.6), dbSNP rs752215006, ClinGen allele CA6978771.